The following is an entry in ClinVar:

ClinVar aggregate classification (germline): Uncertain significance (1 of 4 stars; one submission).

Conditions:
DNA ligase IV deficiency. Identifiers: Orphanet 99812, MedGen C1847827, MONDO:0011686, OMIM 606593.

Allele frequency attached by ClinVar (database versions not stated): gnomAD exomes 0.00002.

Submission:

Labcorp Genetics (formerly Invitae), Labcorp
Classification: Uncertain significance for DNA ligase IV deficiency. Last evaluated: 2022-04-28. Review status: criteria provided, single submitter. Criteria: Invitae Variant Classification Sherloc (09022015). Collection method: clinical testing. Allele origin: germline.
Comment: This sequence change replaces glycine, which is neutral and non-polar, with serine, which is neutral and polar, at codon 687 of the LIG4 protein (p.Gly687Ser). This variant is not present in population databases (gnomAD no frequency). This variant has not been reported in the literature in individuals affected with LIG4-related conditions. Algorithms developed to predict the effect of missense changes on protein structure and function are either unavailable or do not agree on the potential impact of this missense change (SIFT: "Deleterious"; PolyPhen-2: "Probably Damaging"; Align-GVGD: "Class C0"). In summary, the available evidence is currently insufficient to determine the role of this variant in disease. Therefore, it has been classified as a Variant of Uncertain Significance.

NM_206937.2(LIG4):c.2059G>A (p.Gly687Ser)

Gene: LIG4 (DNA ligase 4; minus strand). Cytogenetic location: 13q33.3.
Variant type: single nucleotide variant.
Coding change: c.2059G>A on transcript NM_206937.2 (MANE Select); coding-DNA position 2059, G replaced by A.
Protein change: p.Gly687Ser; replaces glycine 687 with serine.
Molecular consequence: missense variant.
Genome position (GRCh38, 1-based): chr13:108,209,210, C>T on the plus strand (G>A on the coding strand, the complement: LIG4 is on the minus strand). VCF-style: chr13-108209210-C-T. GRCh37 (hg19) VCF-style: chr13-108861558-C-T.
Other names: c.2059G>A, p.Gly687Ser (NM_001098268.2, NM_001352598.2, NM_001352599.2 and 6 more transcripts); c.1858G>A, p.Gly620Ser (NM_001330595.2); c.2095G>A, p.Gly699Ser (NM_001352604.2); short protein forms G699S, G620S, G687S.
Identifiers: ClinVar variation 2148415 (VCV002148415.1), dbSNP rs1878291139, ClinGen allele CA388614210.